The following is an entry in ClinVar:

ClinVar aggregate classification (germline): Uncertain significance (1 of 4 stars; one submission).

Conditions:
Amelocerebrohypohidrotic syndrome (KTZS). Also called: EPILEPSY AND YELLOW TEETH; EPILEPSY, DEMENTIA, AND AMELOGENESIS IMPERFECTA; Kohlschutter's syndrome; KOHLSCHUTTER SYNDROME. Identifiers: Orphanet 1946, MedGen C0406740, MONDO:0009185, OMIM 226750.

Allele frequency attached by ClinVar (database versions not stated): TOPMed below 0.00001.

Submission:

Labcorp Genetics (formerly Invitae), Labcorp
Classification: Uncertain significance for Kohlschutter syndrome. Last evaluated: 2018-08-06. Review status: criteria provided, single submitter. Criteria: Invitae Variant Classification Sherloc (09022015). Collection method: clinical testing. Allele origin: germline.
Comment: This sequence change replaces threonine with serine at codon 46 of the ROGDI protein (p.Thr46Ser). The threonine residue is weakly conserved and there is a small physicochemical difference between threonine and serine. This variant is not present in population databases (ExAC no frequency). This variant has not been reported in the literature in individuals with ROGDI-related disease. Algorithms developed to predict the effect of missense changes on protein structure and function (SIFT, PolyPhen-2, Align-GVGD) all suggest that this variant is likely to be tolerated, but these predictions have not been confirmed by published functional studies and their clinical significance is uncertain. Algorithms developed to predict the effect of sequence changes on RNA splicing suggest that this variant may create or strengthen a splice site, but this prediction has not been confirmed by published transcriptional studies. In summary, the available evidence is currently insufficient to determine the role of this variant in disease. Therefore, it has been classified as a Variant of Uncertain Significance.

NM_024589.3(ROGDI):c.137C>G (p.Thr46Ser)

Gene: ROGDI (rogdi atypical leucine zipper; minus strand). Cytogenetic location: 16p13.3.
Variant type: single nucleotide variant.
Coding change: c.137C>G on transcript NM_024589.3 (MANE Select); coding-DNA position 137, C replaced by G.
Protein change: p.Thr46Ser; replaces threonine 46 with serine.
Molecular consequence: missense variant. On other transcripts: non-coding transcript variant (1).
Genome position (GRCh38, 1-based): chr16:4,801,566, G>C on the plus strand (C>G on the coding strand, the complement: ROGDI is on the minus strand). VCF-style: chr16-4801566-G-C. GRCh37 (hg19) VCF-style: chr16-4851567-G-C.
Other names: short protein forms T46S.
Identifiers: ClinVar variation 657603 (VCV000657603.1), dbSNP rs1200058055, ClinGen allele CA394655435.
Genomic context (GRCh38, chr16:4,801,566, plus strand): 5'-CAGCTGCCTAGGATGAAGTTCTCTTGCTTGGCGGGCCCCTCAGTGCCGGAGCCCGGCAGA[G>C]TGAAGCGCAGAGAGGCCTCCTGTGGAACAGAGGGAAGGAGGGGAGCTGGTAGCGCCCACT-3'
Protein context (NP_078865.1, residues 36-56): DILKEASLRF[Thr46Ser]LPGSGTEGPA